The following is an entry in ClinVar:

ClinVar aggregate classification (germline): Likely benign. Review status: criteria provided, multiple submitters, no conflicts (2 of 4 stars). 5 submissions from 5 submitters: Likely benign (5). Last evaluated 2026-04-27.

Conditions:
Ullrich congenital muscular dystrophy 2 (UCMD2). Identifiers: Orphanet 75840, MedGen C4225314, MONDO:0014654, OMIM 616470.
Bethlem myopathy 2 (BTHLM2). Identifiers: Orphanet 536516, Orphanet 610, MedGen C4225313, MONDO:0034022, OMIM 616471.
COL12A1-related disorder. Also called: COL12A1-related condition.

Allele frequency attached by ClinVar (database versions not stated): gnomAD exomes 0.00012 and 0.00017; TOPMed 0.00014; 1000 Genomes Project 30x 0.00016; gnomAD 0.00016; ExAC 0.00017; 1000 Genomes Project 0.00020; ESP Exome Variant Server 0.00025.
gnomAD v4.1: 272 of 1,613,946 alleles (0.017%); highest among the groups gnomAD compares: Non-Finnish European, 0.02%; 1 homozygote.

Submissions (5):

PreventionGenetics, part of Exact Sciences
Classification: Likely benign for COL12A1-related condition. Last evaluated: 2026-04-27. Review status: criteria provided, single submitter. Criteria: ACMG Guidelines, 2015. Collection method: clinical testing. Allele origin: germline.
Comment: This variant is classified as likely benign based on ACMG/AMP sequence variant interpretation guidelines (Richards et al. 2015 PMID: 25741868, with internal and published modifications).

Women's Health and Genetics/Laboratory Corporation of America, LabCorp
Classification: Likely benign. Last evaluated: 2026-03-23. Review status: criteria provided, single submitter. Criteria: LabCorp Variant Classification Summary - May 2015. Collection method: clinical testing. Allele origin: germline.

Labcorp Genetics (formerly Invitae), Labcorp
Classification: Likely benign for Bethlem myopathy 2; Ullrich congenital muscular dystrophy 2. Last evaluated: 2026-02-04. Review status: criteria provided, single submitter. Criteria: Invitae Variant Classification Sherloc (09022015). Collection method: clinical testing. Allele origin: germline.

Mayo Clinic Laboratories, Mayo Clinic
Classification: Likely benign. Last evaluated: 2025-04-11. Review status: criteria provided, single submitter. Criteria: ACMG Guidelines, 2015. Collection method: clinical testing. Allele origin: germline. Observed: 5 variant alleles.
Comment: BP4, BP7

GeneDx
Classification: Likely benign. Last evaluated: 2020-03-04. Review status: criteria provided, single submitter. Criteria: GeneDx Variant Classification Process June 2021. Collection method: clinical testing. Allele origin: germline. Affected: yes.

NM_004370.6(COL12A1):c.8904G>A (p.Pro2968=)

Gene: COL12A1 (collagen type XII alpha 1 chain; minus strand). Cytogenetic location: 6q13.
Variant type: single nucleotide variant.
Coding change: c.8904G>A on transcript NM_004370.6 (MANE Select); coding-DNA position 8904, G replaced by A.
Protein change: p.Pro2968=; no amino-acid change (proline 2968 retained).
Molecular consequence: synonymous variant.
Genome position (GRCh38, 1-based): chr6:75,090,147, C>T on the plus strand (G>A on the coding strand, the complement: COL12A1 is on the minus strand). VCF-style: chr6-75090147-C-T. GRCh37 (hg19) VCF-style: chr6-75799863-C-T.
Other names: p.Pro2968=; c.5412G>A, p.Pro1804= (NM_080645.3).
Identifiers: ClinVar variation 772209 (VCV000772209.16), dbSNP rs181007051, ClinGen allele CA3892085.